The following is an entry in ClinVar:

NM_172245.4(CSF2RA):c.988C>T (p.Leu330Phe)

Gene: CSF2RA (colony stimulating factor 2 receptor subunit alpha; plus strand). Cytogenetic location: Xp22.33.
Variant type: single nucleotide variant.
Coding change: c.988C>T on transcript NM_172245.4 (MANE Select); coding-DNA position 988, C replaced by T.
Protein change: p.Leu330Phe; replaces leucine 330 with phenylalanine.
Molecular consequence: missense variant. On other transcripts: non-coding transcript variant (1), intron variant (7).
Genome position (GRCh38, 1-based): chrX:1,303,964, C>T. VCF-style: chrX-1303964-C-T. GRCh37 (hg19) VCF-style: chrX-1422857-C-T.
Other names: c.988C>T, p.Leu330Phe (NM_001161529.2, NM_001161531.2, NM_001379155.1 and 9 more transcripts); c.1090C>T, p.Leu364Phe (NM_001161530.2, NM_001379153.1, NM_001379154.1); c.589C>T, p.Leu197Phe (NM_001161532.2); c.958C>T, p.Leu320Phe (NM_001379160.1); c.947-1482C>T (NM_001379167.1, NM_001379169.1, NM_172247.3 and 1 more transcripts); c.946+3338C>T (NM_172246.4); c.647-1482C>T (NM_172249.4); c.855-1482C>T (NM_001379166.1); short protein forms L364F, L197F, L320F, L330F.
Identifiers: ClinVar variation 938134 (VCV000938134.7), dbSNP rs769866070, ClinGen allele CA10331134.
Genomic context (GRCh38, chrX:1,303,964, plus strand): 5'-AACCTGTGTGTCTCTCCAGGTTCTGACGACGGGAACCTCGGCTCTGTGTACATTTATGTG[C>T]TCCTAATCGTGGGAACCCTTGTCTGTGGCATCGTCCTCGGCTTCCTCTTTAAAAGGTAAC-3'
Protein context (NP_758448.1, residues 320-340): GNLGSVYIYV[Leu330Phe]LIVGTLVCGI

ClinVar aggregate classification (germline): Uncertain significance (1 of 4 stars; one submission).

Conditions:
Surfactant metabolism dysfunction, pulmonary, 4 (SMDP4). Also called: PAP DUE TO CSF2RA DEFICIENCY; PULMONARY ALVEOLAR PROTEINOSIS, CONGENITAL, 4; CSF2RA DEFICIENCY. Identifiers: Orphanet 264675, MedGen C2677877, MONDO:0010424, OMIM 300770.

Allele frequency attached by ClinVar (database versions not stated): ExAC 0.00001; gnomAD exomes 0.00001; TOPMed 0.00001.
gnomAD v4.1: 9 of 1,613,448 alleles (0.00056%); highest among the groups gnomAD compares: South Asian, 0.0011%; no homozygotes.

Submission:

Labcorp Genetics (formerly Invitae), Labcorp
Classification: Uncertain significance for Surfactant metabolism dysfunction, pulmonary, 4. Last evaluated: 2021-08-30. Review status: criteria provided, single submitter. Criteria: Invitae Variant Classification Sherloc (09022015). Collection method: clinical testing. Allele origin: germline.
Comment: This sequence change replaces leucine with phenylalanine at codon 330 of the CSF2RA protein (p.Leu330Phe). The leucine residue is moderately conserved and there is a small physicochemical difference between leucine and phenylalanine. This variant is present in population databases (no rsID available, ExAC 0.006%). This variant has not been reported in the literature in individuals affected with CSF2RA-related conditions. Algorithms developed to predict the effect of missense changes on protein structure and function are either unavailable or do not agree on the potential impact of this missense change (SIFT: "Deleterious"; PolyPhen-2: "Not Available"; Align-GVGD: "Class C0"). In summary, the available evidence is currently insufficient to determine the role of this variant in disease. Therefore, it has been classified as a Variant of Uncertain Significance.